The following is an entry in ClinVar:

NM_000089.4(COL1A2):c.2188-1G>T

Gene: COL1A2 (collagen type I alpha 2 chain; plus strand). Cytogenetic location: 7q21.3.
Variant type: single nucleotide variant.
Coding change: c.2188-1G>T on transcript NM_000089.4 (MANE Select); the canonical splice acceptor site of the intron before coding-DNA position 2188, G replaced by T.
Molecular consequence: splice acceptor variant.
Genome position (GRCh38, 1-based): chr7:94,420,540, G>T. VCF-style: chr7-94420540-G-T. GRCh37 (hg19) VCF-style: chr7-94049852-G-T.
Identifiers: ClinVar variation 4822790 (VCV004822790.4).

ClinVar aggregate classification (germline): Likely pathogenic (1 of 4 stars; one submission).

Submission:

CeGaT Center for Human Genetics Tuebingen
Classification: Likely pathogenic. Last evaluated: 2025-12-01. Review status: criteria provided, single submitter. Criteria: CeGaT Center For Human Genetics Tuebingen Variant Classification Criteria Version 2. Collection method: clinical testing. Allele origin: germline. Affected: yes. Observed: 1 variant allele.
Comment: COL1A2: PS2, PM2, PVS1:Moderate